The following is an entry in ClinVar:

ClinVar aggregate classification (germline): Likely benign. Review status: criteria provided, single submitter (1 of 4 stars). 2 submissions from 2 submitters: Likely benign (1). 1 of the submissions does not count toward it. Last evaluated 2024-09-18.

Conditions:
Bardet-Biedl syndrome (BBS). Identifiers: Orphanet 110, MedGen C0752166, MONDO:0015229.
BBS1-related disorder. Also called: BBS1-related condition.

Allele frequency attached by ClinVar (database versions not stated): TOPMed 0.00002; gnomAD 0.00001; ESP Exome Variant Server 0.00008.

Submissions (2):

Labcorp Genetics (formerly Invitae), Labcorp
Classification: Likely benign for Bardet-Biedl syndrome. Last evaluated: 2024-09-18. Review status: criteria provided, single submitter. Criteria: Invitae Variant Classification Sherloc (09022015). Collection method: clinical testing. Allele origin: germline.

PreventionGenetics, part of Exact Sciences
Classification: Likely benign for BBS1-related condition. Last evaluated: 2024-01-05. Review status: no assertion criteria provided. Collection method: clinical testing. Allele origin: germline. Not counted in ClinVar's aggregate classification.
Comment: This variant is classified as likely benign based on ACMG/AMP sequence variant interpretation guidelines (Richards et al. 2015 PMID: 25741868, with internal and published modifications).

NM_024649.5(BBS1):c.1419C>T (p.Ser473=)

Genes: BBS1 (Bardet-Biedl syndrome 1; plus strand), ZDHHC24 (zDHHC palmitoyltransferase 24; minus strand). Cytogenetic location: 11q13.2.
Variant type: single nucleotide variant.
Coding change: c.1419C>T on transcript NM_024649.5 (MANE Select); coding-DNA position 1419, C replaced by T.
Protein change: p.Ser473=; no amino-acid change (serine 473 retained).
Molecular consequence: synonymous variant. On other transcripts: intron variant (1).
Genome position (GRCh38, 1-based): chr11:66,529,898, C>T. VCF-style: chr11-66529898-C-T. GRCh37 (hg19) VCF-style: chr11-66297369-C-T.
Other names: c.560-410G>A (NM_001348571.2).
Identifiers: ClinVar variation 2913770 (VCV002913770.4), dbSNP rs148521883, ClinGen allele CA224049374.